The following is an entry in ClinVar:

NM_000878.5(IL2RB):c.819-68T>C

Gene: IL2RB (interleukin 2 receptor subunit beta; minus strand). Cytogenetic location: 22q12.3.
Variant type: single nucleotide variant.
Coding change: c.819-68T>C on transcript NM_000878.5 (MANE Select); 68 bases into the intron before coding-DNA position 819, T replaced by C.
Molecular consequence: intron variant.
Genome position (GRCh38, 1-based): chr22:37,132,536, A>G on the plus strand (T>C on the coding strand, the complement: IL2RB is on the minus strand). VCF-style: chr22-37132536-A-G. GRCh37 (hg19) VCF-style: chr22-37528576-A-G.
Other names: c.819-68T>C (NM_001346222.1, NM_001346223.2).
Identifiers: ClinVar variation 2688427 (VCV002688427.2), dbSNP rs3218318, ClinGen allele CA14940307.

ClinVar aggregate classification (germline): Benign (1 of 4 stars; one submission).

Allele frequency attached by ClinVar (database versions not stated): TOPMed 0.31553; gnomAD 0.31963; gnomAD exomes 0.34006; 1000 Genomes Project 30x 0.36337; 1000 Genomes Project 0.37260.
gnomAD v4.1: 386,196 of 1,144,418 alleles (34%); highest among the groups gnomAD compares: East Asian, 62%; 69,090 homozygotes.

Submission:

Unidad de Genómica Garrahan, Hospital de Pediatría Garrahan
Classification: Benign. Last evaluated: 2024-01-24. Review status: criteria provided, single submitter. Criteria: ACMG Guidelines, 2015. Collection method: clinical testing. Allele origin: germline. Affected: no. Observed: 39 variant alleles.
Comment: This variant is classified as Benign based on local population frequency. This variant was detected in 44% of patients studied by a panel of primary immunodeficiencies. Number of patients: 39. Only high quality variants are reported.